The following is an entry in ClinVar:

ClinVar aggregate classification (germline): Benign (1 of 4 stars; one submission).

Conditions:
Autosomal dominant nonsyndromic hearing loss 5. Identifiers: Orphanet 90635, MedGen C1832932, MONDO:0010973, OMIM 600994.

Allele frequency attached by ClinVar (database versions not stated): 1000 Genomes Project 30x 0.11821; 1000 Genomes Project 0.12001; gnomAD exomes 0.12093; TOPMed 0.12555; gnomAD 0.12601 and 0.12626.
gnomAD v4.1: 28,943 of 233,506 alleles (12%); highest among the groups gnomAD compares: Admixed American, 15%; 1,921 homozygotes.

Submission:

Illumina Laboratory Services, Illumina
Classification: Benign for Autosomal dominant nonsyndromic hearing loss 5. Last evaluated: 2018-01-12. Review status: criteria provided, single submitter. Criteria: ICSL Variant Classification Criteria 13 December 2019. Collection method: clinical testing. Allele origin: germline.
Comment: This variant was observed in the ICSL laboratory as part of a predisposition screen in an ostensibly healthy population. It had not been previously curated by ICSL or reported in the Human Gene Mutation Database (HGMD: prior to June 1st, 2018), and was therefore a candidate for classification through an automated scoring system. Utilizing variant allele frequency, disease prevalence and penetrance estimates, and inheritance mode, an automated score was calculated to assess if this variant is too frequent to cause the disease. Based on the score and internal cut-off values, a variant classified as benign is not then subjected to further curation. The score for this variant resulted in a classification of benign for this disease.

NM_001127453.2(GSDME):c.*481G>C

Gene: GSDME (gasdermin E; minus strand). Cytogenetic location: 7p15.3.
Variant type: single nucleotide variant.
Coding change: c.*481G>C on transcript NM_001127453.2 (MANE Select); 481 bases downstream of the stop codon, G replaced by C.
Molecular consequence: 3 prime UTR variant.
Genome position (GRCh38, 1-based): chr7:24,698,545, C>G on the plus strand (G>C on the coding strand, the complement: GSDME is on the minus strand). VCF-style: chr7-24698545-C-G. GRCh37 (hg19) VCF-style: chr7-24738164-C-G.
Other names: c.*481G>C (NM_001127454.2, NM_004403.3).
Identifiers: ClinVar variation 359825 (VCV000359825.5), dbSNP rs12979, ClinGen allele CA10625871.